The following is an entry in ClinVar:

NM_015409.5(EP400):c.1436-8T>C

Gene: EP400 (E1A binding protein p400; plus strand). Cytogenetic location: 12q24.33.
Variant type: single nucleotide variant.
Coding change: c.1436-8T>C on transcript NM_015409.5 (MANE Select); 8 bases into the intron before coding-DNA position 1436, T replaced by C.
Molecular consequence: intron variant.
Genome position (GRCh38, 1-based): chr12:131,981,481, T>C. VCF-style: chr12-131981481-T-C. GRCh37 (hg19) VCF-style: chr12-132466026-T-C.
Identifiers: ClinVar variation 3053712 (VCV003053712.2), dbSNP rs779780203, ClinGen allele CA6884748.
Genomic context (GRCh38, chr12:131,981,481, plus strand): 5'-GTTTTTTTCTACTACTTCTCTGGTTTTATTTTTACATCAAACTGCACCTTTTTTGAAAAT[T>C]ATTCTAGAGCAGTCTAAGAGGCCTCGCCTTGAAGTGGGTCACCAAGGGGTAGTTTTCCAG-3'

ClinVar aggregate classification (germline): Likely benign (0 of 4 stars; one submission).

Conditions:
EP400-related disorder. Also called: EP400-related condition.

Allele frequency attached by ClinVar (database versions not stated): gnomAD exomes 0.00001; TOPMed 0.00001; gnomAD 0.00003; ExAC 0.00014.
gnomAD v4.1: 16 of 1,546,946 alleles (0.001%); highest among the groups gnomAD compares: East Asian, 0.036%; no homozygotes.

Submission:

PreventionGenetics, part of Exact Sciences
Classification: Likely benign for EP400-related condition. Last evaluated: 2019-08-16. Review status: no assertion criteria provided. Collection method: clinical testing. Allele origin: germline.
Comment: This variant is classified as likely benign based on ACMG/AMP sequence variant interpretation guidelines (Richards et al. 2015 PMID: 25741868, with internal and published modifications).